The following is an entry in ClinVar:

NM_003742.4(ABCB11):c.3008G>A (p.Gly1003Glu)

Gene: ABCB11 (ATP binding cassette subfamily B member 11; minus strand). Cytogenetic location: 2q31.1.
Variant type: single nucleotide variant.
Coding change: c.3008G>A on transcript NM_003742.4 (MANE Select); coding-DNA position 3008, G replaced by A.
Protein change: p.Gly1003Glu; replaces glycine 1003 with glutamic acid.
Molecular consequence: missense variant.
Genome position (GRCh38, 1-based): chr2:168,935,232, C>T on the plus strand (G>A on the coding strand, the complement: ABCB11 is on the minus strand). VCF-style: chr2-168935232-C-T. GRCh37 (hg19) VCF-style: chr2-169791742-C-T.
Other names: short protein forms G1003E.
Identifiers: ClinVar variation 4846005 (VCV004846005.1).

ClinVar aggregate classification (germline): Uncertain significance (1 of 4 stars; one submission).

Conditions:
Familial intrahepatic cholestasis. Identifiers: Orphanet 284385, MedGen CN296401, MONDO:0017290.

Submission:

Genomenon, Inc
Classification: Uncertain significance for Familial intrahepatic cholestasis. Last evaluated: 2026-04-14. Review status: criteria provided, single submitter. Criteria: Genomenon Sequence Variant Interpretation Standards - Updated. Collection method: curation. Allele origin: germline. Affected: yes.
Comment: ABCB11 p.Gly1003Glu (c.3008G>A) is a missense variant that changes the amino acid at residue 1003 from Glycine to Glutamic acid. This variant has been observed in at least one proband with an ABCB11-related disorder (PMID:25085279). It has been observed in trans with a pathogenic or likely pathogenic variant (PMID:25085279). It is absent or not present at a significant frequency in gnomAD. In silico models predict that this variant is possibly or probably damaging. In conclusion, we classify ABCB11 p.Gly1003Glu (c.3008G>A) as a variant of uncertain significance.

Literature cited by the submitters: PubMed 25085279.